The following is an entry in ClinVar:

ClinVar aggregate classification (germline): Uncertain significance. Review status: criteria provided, multiple submitters, no conflicts (2 of 4 stars). 3 submissions from 3 submitters: Uncertain significance (3). Last evaluated 2025-06-20.

Conditions:
Hereditary cancer-predisposing syndrome. Also called: Tumor predisposition; Hereditary neoplastic syndrome; Neoplastic Syndromes, Hereditary; Hereditary Cancer Syndrome. Identifiers: Orphanet 140162, MedGen C0027672, MeSH D009386, MONDO:0015356.

Allele frequency attached by ClinVar (database versions not stated): TOPMed 0.00001.
gnomAD v4.1: 3 of 1,613,902 alleles (0.00019%); highest among the groups gnomAD compares: Non-Finnish European, 0.00025%; no homozygotes.

Submissions (3):

Ambry Genetics
Classification: Uncertain significance for Hereditary cancer-predisposing syndrome. Last evaluated: 2025-06-20. Review status: criteria provided, single submitter. Criteria: Ambry Variant Classification Scheme 2023. Collection method: clinical testing. Allele origin: germline.
Comment: The p.A1149G variant (also known as c.3446C>G), located in coding exon 28 of the POLE gene, results from a C to G substitution at nucleotide position 3446. The alanine at codon 1149 is replaced by glycine, an amino acid with similar properties. This amino acid position is conserved. In addition, the in silico prediction for this alteration is inconclusive. Based on the available evidence, the clinical significance of this variant remains unclear.

Labcorp Genetics (formerly Invitae), Labcorp
Classification: Uncertain significance. Last evaluated: 2024-02-15. Review status: criteria provided, single submitter. Criteria: Invitae Variant Classification Sherloc (09022015). Collection method: clinical testing. Allele origin: germline.
Comment: This sequence change replaces alanine, which is neutral and non-polar, with glycine, which is neutral and non-polar, at codon 1149 of the POLE protein (p.Ala1149Gly). This variant is not present in population databases (gnomAD no frequency). This variant has not been reported in the literature in individuals affected with POLE-related conditions. ClinVar contains an entry for this variant (Variation ID: 959322). Advanced modeling of protein sequence and biophysical properties (such as structural, functional, and spatial information, amino acid conservation, physicochemical variation, residue mobility, and thermodynamic stability) performed at Invitae indicates that this missense variant is expected to disrupt POLE protein function with a positive predictive value of 80%. In summary, the available evidence is currently insufficient to determine the role of this variant in disease. Therefore, it has been classified as a Variant of Uncertain Significance.

GeneDx
Classification: Uncertain significance. Last evaluated: 2022-09-13. Review status: criteria provided, single submitter. Criteria: GeneDx Variant Classification Process June 2021. Collection method: clinical testing. Allele origin: germline. Affected: yes.
Comment: Not observed at significant frequency in large population cohorts (gnomAD); In silico analysis supports that this missense variant has a deleterious effect on protein structure/function; Has not been previously published as pathogenic or benign to our knowledge

NM_006231.4(POLE):c.3446C>G (p.Ala1149Gly)

Gene: POLE (DNA polymerase epsilon, catalytic subunit; minus strand). Cytogenetic location: 12q24.33.
Variant type: single nucleotide variant.
Coding change: c.3446C>G on transcript NM_006231.4 (MANE Select); coding-DNA position 3446, C replaced by G.
Protein change: p.Ala1149Gly; replaces alanine 1149 with glycine.
Molecular consequence: missense variant.
Genome position (GRCh38, 1-based): chr12:132,657,362, G>C on the plus strand (C>G on the coding strand, the complement: POLE is on the minus strand). VCF-style: chr12-132657362-G-C. GRCh37 (hg19) VCF-style: chr12-133233948-G-C.
Other names: short protein forms A1149G.
Identifiers: ClinVar variation 959322 (VCV000959322.13), dbSNP rs778212434, ClinGen allele CA387388991.
Genomic context (GRCh38, chr12:132,657,362, plus strand): 5'-TGCACAGTTTTTAGCCCCACAGCCCGTGCCACTGACCCCGCCCTTACCTGCTGCAGGGCC[G>C]CAGGGATGGTGATGATCTTCTGGATGGCGCTTCCCAGCCGCTCAATGTAGTAGTCCCAAT-3'
Protein context (NP_006222.2, residues 1139-1159): SAIQKIITIP[Ala1149Gly]ALQQVKNPVP